The following is an entry in ClinVar:

NM_000038.6(APC):c.5092G>A (p.Asp1698Asn)

Gene: APC (APC regulator of Wnt signaling pathway; plus strand). Cytogenetic location: 5q22.2.
Variant type: single nucleotide variant.
Coding change: c.5092G>A on transcript NM_000038.6 (MANE Select); coding-DNA position 5092, G replaced by A.
Protein change: p.Asp1698Asn; replaces aspartic acid 1698 with asparagine.
Molecular consequence: missense variant.
Genome position (GRCh38, 1-based): chr5:112,840,686, G>A. VCF-style: chr5-112840686-G-A. GRCh37 (hg19) VCF-style: chr5-112176383-G-A.
Other names: c.5092G>A, p.Asp1698Asn (NM_001127510.3, NM_001354895.2); c.5038G>A, p.Asp1680Asn (NM_001127511.3); c.5146G>A, p.Asp1716Asn (NM_001354896.2); c.5122G>A, p.Asp1708Asn (NM_001354897.2); c.5017G>A, p.Asp1673Asn (NM_001354898.2); c.5008G>A, p.Asp1670Asn (NM_001354899.2); c.4969G>A, p.Asp1657Asn (NM_001354900.2); c.4915G>A, p.Asp1639Asn (NM_001354901.2); and 5 more; short protein forms D1680N, D1698N, D1415N, D1639N, D1673N, D1708N, D1716N, D1597N.
Identifiers: ClinVar variation 230437 (VCV000230437.23), dbSNP rs745542459, ClinGen allele CA040634.
Genomic context (GRCh38, chr5:112,840,686, plus strand): 5'-GGGGCACAGTCAGGTGAATTTGAAAAACGAGATACCATTCCTACAGAAGGCAGAAGTACA[G>A]ATGAGGCTCAAGGAGGAAAAACCTCATCTGTAACCATACCTGAATTGGATGACAATAAAG-3'
Protein context (NP_000029.2, residues 1688-1708): DTIPTEGRST[Asp1698Asn]EAQGGKTSSV

ClinVar aggregate classification (germline): Uncertain significance. Review status: criteria provided, multiple submitters, no conflicts (2 of 4 stars). 6 submissions from 6 submitters: Uncertain significance (6). Last evaluated 2025-12-01.

Conditions:
Familial adenomatous polyposis 1 (FAP1). Also called: FAMILIAL ADENOMATOUS POLYPOSIS 1, ATTENUATED; POLYPOSIS, ADENOMATOUS INTESTINAL. Identifiers: MedGen C2713442, MONDO:0021056, OMIM 175100. Disease mechanism: loss of function.
Hereditary cancer-predisposing syndrome. Also called: Neoplastic Syndromes, Hereditary; Tumor predisposition; Hereditary Cancer Syndrome; Hereditary neoplastic syndrome. Identifiers: Orphanet 140162, MedGen C0027672, MeSH D009386, MONDO:0015356.
Classic or attenuated familial adenomatous polyposis. Identifiers: MedGen CN372698, MONDO:0021057.

Allele frequency attached by ClinVar (database versions not stated): gnomAD exomes below 0.00001; ExAC 0.00001.
gnomAD v4.1: 3 of 1,614,092 alleles (0.00019%); highest among the groups gnomAD compares: Non-Finnish European, 0.00025%; no homozygotes.

Submissions (6):

Labcorp Genetics (formerly Invitae), Labcorp
Classification: Uncertain significance for Familial adenomatous polyposis 1. Last evaluated: 2025-12-01. Review status: criteria provided, single submitter. Criteria: Invitae Variant Classification Sherloc (09022015). Collection method: clinical testing. Allele origin: germline.
Comment: This sequence change replaces aspartic acid, which is acidic and polar, with asparagine, which is neutral and polar, at codon 1698 of the APC protein (p.Asp1698Asn). This variant is present in population databases (rs745542459, gnomAD 0.0009%). This variant has not been reported in the literature in individuals affected with APC-related conditions. ClinVar contains an entry for this variant (Variation ID: 230437). Invitae Evidence Modeling of protein sequence and biophysical properties (such as structural, functional, and spatial information, amino acid conservation, physicochemical variation, residue mobility, and thermodynamic stability) indicates that this missense variant is not expected to disrupt APC protein function with a negative predictive value of 95%. In summary, the available evidence is currently insufficient to determine the role of this variant in disease. Therefore, it has been classified as a Variant of Uncertain Significance.

Ambry Genetics
Classification: Uncertain significance for Hereditary cancer-predisposing syndrome. Last evaluated: 2025-10-22. Review status: criteria provided, single submitter. Criteria: Ambry Variant Classification Scheme 2023. Collection method: clinical testing. Allele origin: germline.
Comment: The p.D1698N variant (also known as c.5092G>A), located in coding exon 15 of the APC gene, results from a G to A substitution at nucleotide position 5092. The aspartic acid at codon 1698 is replaced by asparagine, an amino acid with highly similar properties. Missense alterations in APC are not a common cause of disease (Spier I et al. Genet Med. 2024 Feb;26(2):100992). This amino acid position is well conserved in available vertebrate species. In addition, in silico predictors for this gene do not accurately predict pathogenicity. Based on the available evidence, the clinical significance of this variant remains unclear.

Color Diagnostics, LLC DBA Color Health
Classification: Uncertain significance for Hereditary cancer-predisposing syndrome. Last evaluated: 2025-08-27. Review status: criteria provided, single submitter. Criteria: ACMG Guidelines, 2015. Collection method: clinical testing. Allele origin: germline.
Comment: This missense variant replaces aspartic acid with asparagine at codon 1698 of the APC protein. Computational prediction suggests that this variant may not impact protein structure and function. APC is defined as a gene for which primarily truncating variants are known to cause disease (ClinGen HCCP VCEP). To our knowledge, functional studies have not been reported for this variant. This variant has not been reported in individuals affected with hereditary cancer in the literature. This variant has been identified in 1/249514 chromosomes in the general population by the Genome Aggregation Database (gnomAD). The available evidence is insufficient to determine the role of this variant in disease conclusively. Therefore, this variant is classified as a Variant of Uncertain Significance.

Quest Diagnostics Nichols Institute San Juan Capistrano
Classification: Uncertain significance. Last evaluated: 2024-08-12. Review status: criteria provided, single submitter. Criteria: Quest Diagnostics criteria. Collection method: clinical testing. Allele origin: unknown.
Comment: The APC c.5092G>A (p.Asp1698Asn) variant has been reported in the published literature in an individual with breast cancer (PMID: 35264596 (2022)). The frequency of this variant in the general population, 0.000004 (1/249514 chromosomes (Genome Aggregation Database)), is uninformative in the assessment of its pathogenicity. Analysis of this variant using bioinformatics tools for the prediction of the effect of amino acid changes on protein structure and function yielded conflicting predictions that this variant is deleterious or benign. Based on the available information, we are unable to determine the clinical significance of this variant.

All of Us Research Program, National Institutes of Health
Classification: Uncertain significance for Classic or attenuated familial adenomatous polyposis. Last evaluated: 2023-08-15. Review status: criteria provided, single submitter. Criteria: ACMG Guidelines, 2015. Collection method: clinical testing. Allele origin: germline. Inheritance: Autosomal dominant inheritance. Observed: 1 variant allele, 1 heterozygote.
Comment: This missense variant replaces aspartic acid with asparagine at codon 1698 of the APC protein. Computational prediction suggests that this variant may not impact protein structure and function (internally defined REVEL score threshold <= 0.5, PMID: 27666373). To our knowledge, functional studies have not been reported for this variant. This variant has not been reported in individuals affected with hereditary cancer in the literature. This variant has been identified in 1/249514 chromosomes in the general population by the Genome Aggregation Database (gnomAD). The available evidence is insufficient to determine the role of this variant in disease conclusively. Therefore, this variant is classified as a Variant of Uncertain Significance.

This study involves interpretation of variants in research participants for the purpose of population health screening. Participant phenotype was not available at the time of variant classification. Additional details can be found in publication PMID: 35346344, PMCID: PMC8962531

Mendelics
Classification: Uncertain significance for Familial adenomatous polyposis 1. Last evaluated: 2018-07-02. Review status: criteria provided, single submitter. Criteria: Mendelics Assertion Criteria 2017. Collection method: clinical testing. Allele origin: unknown.

Literature cited by the submitters: PubMed 35264596 (cited by Quest Diagnostics Nichols Institute San Juan Capistrano).